The following is an entry in ClinVar:

NM_000228.3(LAMB3):c.2871G>A (p.Ala957=)

Gene: LAMB3 (laminin subunit beta 3; minus strand). Cytogenetic location: 1q32.2.
Variant type: single nucleotide variant.
Coding change: c.2871G>A on transcript NM_000228.3 (MANE Select); coding-DNA position 2871, G replaced by A.
Protein change: p.Ala957=; no amino-acid change (alanine 957 retained).
Molecular consequence: synonymous variant.
Genome position (GRCh38, 1-based): chr1:209,618,490, C>T on the plus strand (G>A on the coding strand, the complement: LAMB3 is on the minus strand). VCF-style: chr1-209618490-C-T. GRCh37 (hg19) VCF-style: chr1-209791835-C-T.
Other names: c.2871G>A, p.Ala957= (NM_001017402.2, NM_001127641.1).
Identifiers: ClinVar variation 721473 (VCV000721473.14), dbSNP rs143164025, ClinGen allele CA1375078.
Genomic context (GRCh38, chr1:209,618,490, plus strand): 5'-AGTTCAGGGCCCAAGGCCATACCTGGCTTCCTCAGCCTCAGCCTGCAACCGGCGGGCACG[C>T]GCAATGTCCTGCTTGGTCTGGGACAGCACCAAGTCCACGTTGGGGAGCCTGGCTGCAATG-3'
Protein context (NP_000219.2, residues 947-967): LVLSQTKQDI[Ala957=]RARRLQAEAE

ClinVar aggregate classification (germline): Likely benign. Review status: criteria provided, multiple submitters, no conflicts (2 of 4 stars). 4 submissions from 4 submitters: Likely benign (3). 1 of the submissions does not count toward it. Last evaluated 2026-01-13.

Conditions:
LAMB3-related disorder. Also called: LAMB3-related condition.

Allele frequency attached by ClinVar (database versions not stated): 1000 Genomes Project 30x 0.00016; ExAC 0.00017; gnomAD exomes 0.00017; 1000 Genomes Project 0.00020; gnomAD 0.00022; TOPMed 0.00032.

Submissions (4):

Labcorp Genetics (formerly Invitae), Labcorp
Classification: Likely benign. Last evaluated: 2026-01-13. Review status: criteria provided, single submitter. Criteria: Invitae Variant Classification Sherloc (09022015). Collection method: clinical testing. Allele origin: germline.

Blueprint Genetics
Classification: Likely benign. Last evaluated: 2024-11-22. Review status: criteria provided, single submitter. Criteria: ACMG Guidelines, 2015. Collection method: clinical testing. Allele origin: germline.

Breakthrough Genomics
Classification: Likely benign. Review status: criteria provided, single submitter. Criteria: ACMG Guidelines, 2015. Collection method: not provided. Allele origin: germline. Inheritance: Autosomal recessive inheritance. Affected: yes.

PreventionGenetics, part of Exact Sciences
Classification: Likely benign for LAMB3-related condition. Last evaluated: 2019-05-21. Review status: no assertion criteria provided. Collection method: clinical testing. Allele origin: germline. Not counted in ClinVar's aggregate classification.
Comment: This variant is classified as likely benign based on ACMG/AMP sequence variant interpretation guidelines (Richards et al. 2015 PMID: 25741868, with internal and published modifications).